The following is an entry in ClinVar:

ClinVar aggregate classification (germline): Uncertain significance (1 of 4 stars; one submission).

Conditions:
Galactosylceramide beta-galactosidase deficiency. Also called: Leukodystrophy, Globoid Cell; GALACTOCEREBROSIDASE DEFICIENCY; GALC DEFICIENCY; GLOBOID CELL LEUKOENCEPHALOPATHY; Krabbe Disease. Identifiers: Orphanet 487, MedGen C0023521, MONDO:0009499, OMIM 245200.

gnomAD v4.1: 3 of 1,613,192 alleles (0.00019%); highest among the groups gnomAD compares: Non-Finnish European, 0.00025%; no homozygotes.

Submission:

Labcorp Genetics (formerly Invitae), Labcorp
Classification: Uncertain significance for Galactosylceramide beta-galactosidase deficiency. Last evaluated: 2021-08-30. Review status: criteria provided, single submitter. Criteria: Invitae Variant Classification Sherloc (09022015). Collection method: clinical testing. Allele origin: germline.
Comment: This sequence change replaces lysine with asparagine at codon 660 of the GALC protein (p.Lys660Asn). The lysine residue is weakly conserved and there is a moderate physicochemical difference between lysine and asparagine. This variant is not present in population databases (ExAC no frequency). This variant has not been reported in the literature in individuals affected with GALC-related conditions. Advanced modeling of protein sequence and biophysical properties (such as structural, functional, and spatial information, amino acid conservation, physicochemical variation, residue mobility, and thermodynamic stability) performed at Invitae indicates that this missense variant is not expected to disrupt GALC protein function. In summary, the available evidence is currently insufficient to determine the role of this variant in disease. Therefore, it has been classified as a Variant of Uncertain Significance.

NM_000153.4(GALC):c.1980G>C (p.Lys660Asn)

Gene: GALC (galactosylceramidase; minus strand). Cytogenetic location: 14q31.3.
Variant type: single nucleotide variant.
Coding change: c.1980G>C on transcript NM_000153.4 (MANE Select); coding-DNA position 1980, G replaced by C.
Protein change: p.Lys660Asn; replaces lysine 660 with asparagine.
Molecular consequence: missense variant.
Genome position (GRCh38, 1-based): chr14:87,934,810, C>G on the plus strand (G>C on the coding strand, the complement: GALC is on the minus strand). VCF-style: chr14-87934810-C-G. GRCh37 (hg19) VCF-style: chr14-88401154-C-G.
Other names: c.1911G>C, p.Lys637Asn (NM_001201401.2); c.1902G>C, p.Lys634Asn (NM_001201402.2); short protein forms K634N, K660N, K637N.
Identifiers: ClinVar variation 2147340 (VCV002147340.1), dbSNP rs376099163, ClinGen allele CA390745236.